The following is an entry in ClinVar:

NM_170665.4(ATP2A2):c.2698C>T (p.Leu900Phe)

Genes: ATP2A2 (ATPase sarcoplasmic/endoplasmic reticulum Ca2+ transporting 2; plus strand), LOC126861638 (MED14-independent group 3 enhancer GRCh37_chr12:110782389-110783588; plus strand). Cytogenetic location: 12q24.11.
Variant type: single nucleotide variant.
Coding change: c.2698C>T on transcript NM_170665.4 (MANE Select); coding-DNA position 2698, C replaced by T.
Protein change: p.Leu900Phe; replaces leucine 900 with phenylalanine.
Molecular consequence: missense variant.
Genome position (GRCh38, 1-based): chr12:110,345,339, C>T. VCF-style: chr12-110345339-C-T. GRCh37 (hg19) VCF-style: chr12-110783144-C-T.
Other names: c.2593C>T, p.Leu865Phe (NM_001413013.1); c.2698C>T, p.Leu900Phe (NM_001413014.1, NM_001681.4); c.2323C>T, p.Leu775Phe (NM_001413015.1); short protein forms L775F, L865F, L900F.
Identifiers: ClinVar variation 3342881 (VCV003342881.1).

ClinVar aggregate classification (germline): Uncertain significance (1 of 4 stars; one submission).

Submission:

GeneDx
Classification: Uncertain significance. Last evaluated: 2024-02-26. Review status: criteria provided, single submitter. Criteria: GeneDx Variant Classification Process June 2021. Collection method: clinical testing. Allele origin: germline. Affected: yes.
Comment: Missense variants in this gene are a common cause of disease and they are underrepresented in the general population; In silico analysis supports that this missense variant has a deleterious effect on protein structure/function; Not observed at significant frequency in large population cohorts (gnomAD); Has not been previously published as pathogenic or benign to our knowledge